The following is an entry in ClinVar:

NM_152490.5(B3GALNT2):c.893A>G (p.Asp298Gly)

Gene: B3GALNT2 (beta-1,3-N-acetylgalactosaminyltransferase 2; minus strand). Cytogenetic location: 1q42.3.
Variant type: single nucleotide variant.
Coding change: c.893A>G on transcript NM_152490.5 (MANE Select); coding-DNA position 893, A replaced by G.
Protein change: p.Asp298Gly; replaces aspartic acid 298 with glycine.
Molecular consequence: missense variant.
Genome position (GRCh38, 1-based): chr1:235,458,735, T>C on the plus strand (A>G on the coding strand, the complement: B3GALNT2 is on the minus strand). VCF-style: chr1-235458735-T-C. GRCh37 (hg19) VCF-style: chr1-235622043-T-C.
Other names: short protein forms D298G.
Identifiers: ClinVar variation 1054948 (VCV001054948.2), dbSNP rs1170718692, ClinGen allele CA344960212.

ClinVar aggregate classification (germline): Uncertain significance (1 of 4 stars; one submission).

Conditions:
Muscular dystrophy-dystroglycanopathy (congenital with brain and eye anomalies), type a, 11 (MDDGA11). Also called: WALKER-WARBURG SYNDROME OR MUSCLE-EYE-BRAIN DISEASE, B3GALNT2-RELATED; Congenital muscular dystrophy-dystroglycanopathy with brain and eye anomalies, type A11; Muscular dystrophy-dystroglycanopathy (congenital with brain and eye anomalies, type A, 11. Identifiers: Orphanet 588, Orphanet 899, MedGen C3554638, MONDO:0014071, OMIM 615181.

Allele frequency attached by ClinVar (database versions not stated): gnomAD 0.00001; gnomAD exomes 0.00001; TOPMed 0.00001.
gnomAD v4.1: 14 of 1,611,660 alleles (0.00087%); highest among the groups gnomAD compares: African/African-American, 0.0013%; no homozygotes.

Submission:

Labcorp Genetics (formerly Invitae), Labcorp
Classification: Uncertain significance for Muscular dystrophy-dystroglycanopathy (congenital with brain and eye anomalies), type a, 11. Last evaluated: 2022-08-23. Review status: criteria provided, single submitter. Criteria: Invitae Variant Classification Sherloc (09022015). Collection method: clinical testing. Allele origin: germline.
Comment: This sequence change replaces aspartic acid, which is acidic and polar, with glycine, which is neutral and non-polar, at codon 298 of the B3GALNT2 protein (p.Asp298Gly). This variant is not present in population databases (gnomAD no frequency). This variant has not been reported in the literature in individuals affected with B3GALNT2-related conditions. ClinVar contains an entry for this variant (Variation ID: 1054948). Algorithms developed to predict the effect of missense changes on protein structure and function (SIFT, PolyPhen-2, Align-GVGD) all suggest that this variant is likely to be tolerated. In summary, the available evidence is currently insufficient to determine the role of this variant in disease. Therefore, it has been classified as a Variant of Uncertain Significance.